The following is an entry in ClinVar:

ClinVar aggregate classification (germline): Likely pathogenic. Review status: criteria provided, multiple submitters, no conflicts (2 of 4 stars). 4 submissions from 4 submitters: Likely pathogenic (4). Last evaluated 2026-09-08.

Conditions:
Hereditary leiomyomatosis and renal cell cancer. Also called: Familial leiomyomatosis; LEIOMYOMA, MULTIPLE CUTANEOUS; Reed syndrome; Multiple cutaneous and uterine leiomyomatosis; Cutaneous leiomyomata with uterine leiomyomata; Leiomyoma, hereditary multiple, of skin. Identifiers: Orphanet 523, MedGen C1708350, MONDO:0007888, OMIM 150800, HP:0007437. Disease mechanism: loss of function.
Hereditary cancer-predisposing syndrome. Also called: Hereditary Cancer Syndrome; Hereditary neoplastic syndrome; Neoplastic Syndromes, Hereditary; Tumor predisposition. Identifiers: Orphanet 140162, MedGen C0027672, MeSH D009386, MONDO:0015356.

Submissions (4):

Myriad Genetics, Inc.
Classification: Likely pathogenic for Hereditary leiomyomatosis and renal cell cancer. Last evaluated: 2026-09-08. Review status: criteria provided, single submitter. Criteria: Myriad Autosomal Dominant, Autosomal Recessive and X-Linked Classification Criteria (2023). Collection method: clinical testing. Allele origin: unknown.
Comment: This variant is considered likely pathogenic. This variant has been reported in multiple individuals with clinical features of gene-specific disease [PMID: 22867999; personal communications 2026]. Functional studies indicate this variant impacts protein function [PMID: 30013182]. This variant is expected to disrupt protein structure [Myriad internal data].

Labcorp Genetics (formerly Invitae), Labcorp
Classification: Likely pathogenic. Last evaluated: 2025-10-23. Review status: criteria provided, single submitter. Criteria: Invitae Variant Classification Sherloc (09022015). Collection method: clinical testing. Allele origin: germline.
Comment: This sequence change replaces histidine, which is basic and polar, with aspartic acid, which is acidic and polar, at codon 235 of the FH protein (p.His235Asp). This variant is not present in population databases (gnomAD no frequency). This missense change has been observed in individual(s) with renal cell cancer (PMID: 33402335). ClinVar contains an entry for this variant (Variation ID: 393569). Invitae Evidence Modeling of protein sequence and biophysical properties (such as structural, functional, and spatial information, amino acid conservation, physicochemical variation, residue mobility, and thermodynamic stability) indicates that this missense variant is expected to disrupt FH protein function with a positive predictive value of 95%. This variant disrupts the p.His235 amino acid residue in FH. Other variant(s) that disrupt this residue have been determined to be pathogenic (PMID: 21398687, 23203078; internal data). This suggests that this residue is clinically significant, and that variants that disrupt this residue are likely to be disease-causing. In summary, the currently available evidence indicates that the variant is pathogenic, but additional data are needed to prove that conclusively. Therefore, this variant has been classified as Likely Pathogenic.

Ambry Genetics
Classification: Likely pathogenic for Hereditary cancer-predisposing syndrome. Last evaluated: 2025-06-24. Review status: criteria provided, single submitter. Criteria: Ambry Variant Classification Scheme 2023. Collection method: clinical testing. Allele origin: germline.
Comment: The p.H235D variant (also known as c.703C>G), located in coding exon 5 of the FH gene, results from a C to G substitution at nucleotide position 703. The histidine at codon 235 is replaced by aspartic acid, an amino acid with similar properties. This variant was reported in individual(s) with features consistent with hereditary leiomyomatosis and renal cell cancer (Ambry internal data). Other variant(s) at the same codon, p.H235R (c.704A>G), have been identified in individual(s) with features consistent with hereditary leiomyomatosis and renal cell cancer (Gardie B et al. J. Med. Genet. 2011 Apr;48(4):226-34; Muller M et al. Clin. Genet., 2017 Dec;92:606-615). This amino acid position is highly conserved in available vertebrate species. In addition, this alteration is predicted to be deleterious by in silico analysis. This variant is considered to be rare based on population cohorts in the Genome Aggregation Database (gnomAD). Based on the majority of available evidence to date, this variant is likely to be pathogenic.

Genomic Diagnostic Laboratory, Division of Genomic Diagnostics, Children's Hospital of Philadelphia
Classification: Likely pathogenic for Hereditary leiomyomatosis and renal cell cancer. Last evaluated: 2017-01-17. Review status: criteria provided, single submitter. Criteria: DGD Variant Analysis Guidelines. Collection method: clinical testing. Allele origin: germline. Affected: yes. Observed: 4 variant alleles.
Comment: Clinical Testing

Literature cited by the submitters: PubMed 22867999 (cited by Myriad Genetics, Inc.); PubMed 30013182 (cited by Myriad Genetics, Inc.); PubMed 33402335 (cited by Labcorp Genetics (formerly Invitae), Labcorp); PubMed 21398687 (cited by Labcorp Genetics (formerly Invitae), Labcorp); PubMed 23203078 (cited by Labcorp Genetics (formerly Invitae), Labcorp).

NM_000143.4(FH):c.703C>G (p.His235Asp)

Gene: FH (fumarate hydratase; minus strand). Cytogenetic location: 1q43.
Variant type: single nucleotide variant.
Coding change: c.703C>G on transcript NM_000143.4 (MANE Select); coding-DNA position 703, C replaced by G.
Protein change: p.His235Asp; replaces histidine 235 with aspartic acid.
Molecular consequence: missense variant.
Genome position (GRCh38, 1-based): chr1:241,508,638, G>C on the plus strand (C>G on the coding strand, the complement: FH is on the minus strand). VCF-style: chr1-241508638-G-C. GRCh37 (hg19) VCF-style: chr1-241671938-G-C.
Other names: short protein forms H235D.
Identifiers: ClinVar variation 393569 (VCV000393569.6), dbSNP rs863223968, ClinGen allele CA16609371.